The following is an entry in ClinVar:

ClinVar aggregate classification (germline): Uncertain significance (1 of 4 stars; one submission).

Allele frequency attached by ClinVar (database versions not stated): TOPMed below 0.00001; gnomAD 0.00001.
gnomAD v4.1: 5 of 1,613,980 alleles (0.00031%); highest among the groups gnomAD compares: Non-Finnish European, 0.00042%; no homozygotes.

Submission:

Labcorp Genetics (formerly Invitae), Labcorp
Classification: Uncertain significance. Last evaluated: 2024-10-16. Review status: criteria provided, single submitter. Criteria: Invitae Variant Classification Sherloc (09022015). Collection method: clinical testing. Allele origin: germline.
Comment: This sequence change replaces arginine, which is basic and polar, with glutamine, which is neutral and polar, at codon 103 of the RLBP1 protein (p.Arg103Gln). This variant is present in population databases (no rsID available, gnomAD 0.007%). This variant has not been reported in the literature in individuals affected with RLBP1-related conditions. ClinVar contains an entry for this variant (Variation ID: 1037299). Invitae Evidence Modeling of protein sequence and biophysical properties (such as structural, functional, and spatial information, amino acid conservation, physicochemical variation, residue mobility, and thermodynamic stability) indicates that this missense variant is expected to disrupt RLBP1 protein function with a positive predictive value of 95%. In summary, the available evidence is currently insufficient to determine the role of this variant in disease. Therefore, it has been classified as a Variant of Uncertain Significance.

NM_000326.5(RLBP1):c.308G>A (p.Arg103Gln)

Gene: RLBP1 (retinaldehyde binding protein 1; minus strand). Cytogenetic location: 15q26.1.
Variant type: single nucleotide variant.
Coding change: c.308G>A on transcript NM_000326.5 (MANE Select); coding-DNA position 308, G replaced by A.
Protein change: p.Arg103Gln; replaces arginine 103 with glutamine.
Molecular consequence: missense variant.
Genome position (GRCh38, 1-based): chr15:89,217,158, C>T on the plus strand (G>A on the coding strand, the complement: RLBP1 is on the minus strand). VCF-style: chr15-89217158-C-T. GRCh37 (hg19) VCF-style: chr15-89760389-C-T.
Other names: short protein forms R103Q.
Identifiers: ClinVar variation 1037299 (VCV001037299.8), dbSNP rs1422832116, ClinGen allele CA393730733.
Genomic context (GRCh38, chr15:89,217,158, plus strand): 5'-TCCCTCCAAGCACTGGCCTCACCTCTGAGCAGCTCATAGGCACGGCCCACGTTGAACTTC[C>T]GTGCGCGGATGAAGCGCAGGAAGAAGCCGCTGTCCTTCTCTTGCACCCTCTCCGCCACGG-3'
Protein context (NP_000317.1, residues 93-113): SGFFLRFIRA[Arg103Gln]KFNVGRAYEL